The following is an entry in ClinVar:

ClinVar aggregate classification (germline): Pathogenic. Review status: criteria provided, multiple submitters, no conflicts (2 of 4 stars). 2 submissions from 2 submitters: Pathogenic (2). Last evaluated 2024-04-15.

Conditions:
Nephrotic syndrome, type 3 (NPHS3). Also called: NEPHROTIC SYNDROME, EARLY-ONSET, TYPE 3. Identifiers: Orphanet 656, MedGen C1853124, MONDO:0012546, OMIM 610725.

Submissions (2):

Fulgent Genetics
Classification: Pathogenic for Nephrotic syndrome, type 3. Last evaluated: 2024-04-15. Review status: criteria provided, single submitter. Criteria: ACMG Guidelines, 2015. Collection method: clinical testing. Allele origin: germline.

Labcorp Genetics (formerly Invitae), Labcorp
Classification: Pathogenic. Last evaluated: 2017-06-15. Review status: criteria provided, single submitter. Criteria: Invitae Variant Classification Sherloc (09022015). Collection method: clinical testing. Allele origin: germline.
Comment: For these reasons, this variant has been classified as Pathogenic. Loss-of-function variants in PLCE1 are known to be pathogenic (PMID: 20591883). This variant has been reported as homozygous in two siblings affected with isolated diffuse mesangial sclerosis (PMID: 18065803). This variant is present in population databases (rs750815297, ExAC 0.04%). This sequence change creates a premature translational stop signal (p.Leu1398Profs*70) in the PLCE1 gene. It is expected to result in an absent or disrupted protein product.

Literature cited by the submitters: PubMed 20591883 (cited by Labcorp Genetics (formerly Invitae), Labcorp); PubMed 18065803 (cited by Labcorp Genetics (formerly Invitae), Labcorp).

NM_016341.4(PLCE1):c.4192dup (p.Leu1398fs)

Gene: PLCE1 (phospholipase C epsilon 1; plus strand). Cytogenetic location: 10q23.33.
Variant type: Duplication.
Coding change: c.4192dup on transcript NM_016341.4 (MANE Select); coding-DNA position 4192, one base duplicated (C; older notation c.4192dupC).
Protein change: p.Leu1398fs; shifts the reading frame from leucine 1398.
Molecular consequence: frameshift variant.
Genome position (GRCh38, 1-based): chr10:94,265,869, C duplicated; the last of 4 consecutive C bases (chr10:94,265,866-94,265,869); duplicating any one gives the same sequence. VCF-style (leftmost placement, unchanged base first): chr10-94265865-A-AC. GRCh37 (hg19) VCF-style: chr10-96025622-A-AC.
Other names: c.4144dup, p.Leu1382fs (NM_001288989.2); c.3268dup, p.Leu1090fs (NM_001165979.2); short protein forms L1090fs, L1382fs, L1398fs.
Identifiers: ClinVar variation 1073097 (VCV001073097.10), dbSNP rs750815297, ClinGen allele CA5613075.